The following is an entry in ClinVar:

NM_001291303.3(FAT4):c.13827C>G (p.Ser4609Arg)

Gene: FAT4 (FAT atypical cadherin 4; plus strand). Cytogenetic location: 4q28.1.
Variant type: single nucleotide variant.
Coding change: c.13827C>G on transcript NM_001291303.3 (MANE Select); coding-DNA position 13827, C replaced by G.
Protein change: p.Ser4609Arg; replaces serine 4609 with arginine.
Molecular consequence: missense variant.
Genome position (GRCh38, 1-based): chr4:125,490,643, C>G. VCF-style: chr4-125490643-C-G. GRCh37 (hg19) VCF-style: chr4-126411798-C-G.
Other names: c.13824C>G, p.Ser4608Arg (NM_001291285.3); c.13821C>G, p.Ser4607Arg (NM_024582.6); short protein forms S4607R, S4608R, S4609R.
Identifiers: ClinVar variation 1328572 (VCV001328572.2), dbSNP rs767553555, ClinGen allele CA3074443.

ClinVar aggregate classification (germline): Uncertain significance (1 of 4 stars; one submission).

Submission:

GeneDx
Classification: Uncertain significance. Last evaluated: 2021-06-15. Review status: criteria provided, single submitter. Criteria: GeneDx Variant Classification Process June 2021. Collection method: clinical testing. Allele origin: germline. Affected: yes.
Comment: Not observed at significant frequency in large population cohorts (Lek et al., 2016); In silico analysis supports that this missense variant does not alter protein structure/function; Has not been previously published as pathogenic or benign to our knowledge; This variant is associated with the following publications: (PMID: 27535533)